The following is an entry in ClinVar:

ClinVar aggregate classification (germline): Uncertain significance (1 of 4 stars; one submission).

Conditions:
Autosomal dominant limb-girdle muscular dystrophy type 1F (LGMDD2). Also called: Limb-girdle muscular dystrophy, type 1F; MUSCULAR DYSTROPHY, LIMB-GIRDLE, AUTOSOMAL DOMINANT 2. Identifiers: Orphanet 55595, MedGen C1842062, MONDO:0012034, OMIM 608423.

Submission:

Labcorp Genetics (formerly Invitae), Labcorp
Classification: Uncertain significance for Autosomal dominant limb-girdle muscular dystrophy type 1F. Last evaluated: 2024-02-08. Review status: criteria provided, single submitter. Criteria: Invitae Variant Classification Sherloc (09022015). Collection method: clinical testing. Allele origin: germline.
Comment: This sequence change falls in intron 10 of the TNPO3 gene. It does not directly change the encoded amino acid sequence of the TNPO3 protein. This variant is not present in population databases (gnomAD no frequency). This variant has not been reported in the literature in individuals affected with TNPO3-related conditions. Algorithms developed to predict the effect of sequence changes on RNA splicing suggest that this variant may disrupt the consensus splice site. In summary, the available evidence is currently insufficient to determine the role of this variant in disease. Therefore, it has been classified as a Variant of Uncertain Significance.

NM_012470.4(TNPO3):c.1359-13C>A

Gene: TNPO3 (transportin 3; minus strand). Cytogenetic location: 7q32.1.
Variant type: single nucleotide variant.
Coding change: c.1359-13C>A on transcript NM_012470.4 (MANE Select); 13 bases into the intron before coding-DNA position 1359, C replaced by A.
Molecular consequence: intron variant. On other transcripts: missense variant (1), non-coding transcript variant (1).
Genome position (GRCh38, 1-based): chr7:128,990,113, G>T on the plus strand (C>A on the coding strand, the complement: TNPO3 is on the minus strand). VCF-style: chr7-128990113-G-T. GRCh37 (hg19) VCF-style: chr7-128630167-G-T.
Other names: c.1448C>A, p.Pro483Gln (NM_001382216.1); c.1215-13C>A (NM_001382221.1); c.1212-13C>A (NM_001382222.1); c.1251-13C>A (NM_001382219.1); c.1359-13C>A (NM_001382223.1, NM_001191028.3, NM_001382220.1 and 1 more transcripts); c.1440-13C>A (NM_001382217.1); short protein forms P483Q.
Identifiers: ClinVar variation 3639735 (VCV003639735.2).